The following is an entry in ClinVar:

ClinVar aggregate classification (germline): Uncertain significance. Review status: criteria provided, multiple submitters, no conflicts (2 of 4 stars). 2 submissions from 2 submitters: Uncertain significance (2). Last evaluated 2025-07-25.

Conditions:
Inborn genetic diseases. Identifiers: MedGen C0950123, MeSH D030342.
Spastic paraplegia. Identifiers: MedGen C0037772, HP:0001258.

gnomAD v4.1: 7 of 1,614,086 alleles (0.00043%); highest among the groups gnomAD compares: Non-Finnish European, 0.00059%; no homozygotes.

Submissions (2):

Labcorp Genetics (formerly Invitae), Labcorp
Classification: Uncertain significance for Spastic paraplegia. Last evaluated: 2025-07-25. Review status: criteria provided, single submitter. Criteria: Invitae Variant Classification Sherloc (09022015). Collection method: clinical testing. Allele origin: germline.
Comment: This sequence change replaces threonine, which is neutral and polar, with alanine, which is neutral and non-polar, at codon 1976 of the SACS protein (p.Thr1976Ala). This variant is not present in population databases (gnomAD no frequency). This variant has not been reported in the literature in individuals affected with SACS-related conditions. Invitae Evidence Modeling of protein sequence and biophysical properties (such as structural, functional, and spatial information, amino acid conservation, physicochemical variation, residue mobility, and thermodynamic stability) indicates that this missense variant is not expected to disrupt SACS protein function with a negative predictive value of 95%. In summary, the available evidence is currently insufficient to determine the role of this variant in disease. Therefore, it has been classified as a Variant of Uncertain Significance.

Ambry Genetics
Classification: Uncertain significance for Inborn genetic diseases. Last evaluated: 2025-07-01. Review status: criteria provided, single submitter. Criteria: Ambry Variant Classification Scheme 2023. Collection method: clinical testing. Allele origin: germline.

NM_014363.6(SACS):c.5926A>G (p.Thr1976Ala)

Gene: SACS (sacsin molecular chaperone; minus strand). Cytogenetic location: 13q12.12.
Variant type: single nucleotide variant.
Coding change: c.5926A>G on transcript NM_014363.6 (MANE Select); coding-DNA position 5926, A replaced by G.
Protein change: p.Thr1976Ala; replaces threonine 1976 with alanine.
Molecular consequence: missense variant.
Genome position (GRCh38, 1-based): chr13:23,337,950, T>C on the plus strand (A>G on the coding strand, the complement: SACS is on the minus strand). VCF-style: chr13-23337950-T-C. GRCh37 (hg19) VCF-style: chr13-23912089-T-C.
Other names: c.5485A>G, p.Thr1829Ala (NM_001278055.2); c.5953A>G, p.Thr1985Ala (NM_001437336.1); short protein forms T1976A, T1829A, T1985A.
Identifiers: ClinVar variation 4158682 (VCV004158682.2).